The following is an entry in ClinVar:

ClinVar aggregate classification (germline): Uncertain significance (1 of 4 stars; one submission).

gnomAD v4.1: 20 of 1,614,028 alleles (0.0012%); highest among the groups gnomAD compares: Admixed American, 0.033%; no homozygotes.

Submission:

Labcorp Genetics (formerly Invitae), Labcorp
Classification: Uncertain significance. Last evaluated: 2025-08-25. Review status: criteria provided, single submitter. Criteria: Invitae Variant Classification Sherloc (09022015). Collection method: clinical testing. Allele origin: germline.
Comment: This sequence change replaces leucine, which is neutral and non-polar, with valine, which is neutral and non-polar, at codon 454 of the FOCAD protein (p.Leu454Val). This variant is present in population databases (rs774993937, gnomAD 0.06%), and has an allele count higher than expected for a pathogenic variant. This variant has not been reported in the literature in individuals affected with FOCAD-related conditions. Experimental studies and prediction algorithms are not available or were not evaluated, and the functional significance of this variant is currently unknown. In summary, the available evidence is currently insufficient to determine the role of this variant in disease. Therefore, it has been classified as a Variant of Uncertain Significance.

NM_001375567.1(FOCAD):c.1360C>G (p.Leu454Val)

Gene: FOCAD (focadhesin; plus strand). Cytogenetic location: 9p21.3.
Variant type: single nucleotide variant.
Coding change: c.1360C>G on transcript NM_001375567.1 (MANE Select); coding-DNA position 1360, C replaced by G.
Protein change: p.Leu454Val; replaces leucine 454 with valine.
Molecular consequence: missense variant.
Genome position (GRCh38, 1-based): chr9:20,789,513, C>G. VCF-style: chr9-20789513-C-G. GRCh37 (hg19) VCF-style: chr9-20789512-C-G.
Other names: c.1360C>G, p.Leu454Val (NM_001375568.1, NM_017794.5); c.1255C>G, p.Leu419Val (NM_001375570.1); short protein forms L419V, L454V.
Identifiers: ClinVar variation 4707073 (VCV004707073.1).